The following is an entry in ClinVar:

NM_001967.4(EIF4A2):c.1A>T (p.Met1Leu)

Gene: EIF4A2 (eukaryotic translation initiation factor 4A2; plus strand). Cytogenetic location: 3q27.3.
Variant type: single nucleotide variant.
Coding change: c.1A>T on transcript NM_001967.4 (MANE Select); coding-DNA position 1, A replaced by T.
Protein change: p.Met1Leu; changes the start codon (methionine 1).
Molecular consequence: missense variant, initiator codon variant.
Genome position (GRCh38, 1-based): chr3:186,783,611, A>T. VCF-style: chr3-186783611-A-T. GRCh37 (hg19) VCF-style: chr3-186501400-A-T.
Other names: short protein forms M1L.
Identifiers: ClinVar variation 2662246 (VCV002662246.1), dbSNP rs571299759, ClinGen allele CA89648346.

ClinVar aggregate classification (germline): Uncertain significance (1 of 4 stars; one submission).

Allele frequency attached by ClinVar (database versions not stated): 1000 Genomes Project 30x 0.00016; 1000 Genomes Project 0.00020.

Submission:

GeneDx
Classification: Uncertain significance. Last evaluated: 2023-05-14. Review status: criteria provided, single submitter. Criteria: GeneDx Variant Classification Process June 2021. Collection method: clinical testing. Allele origin: germline. Affected: yes.
Comment: Not observed at significant frequency in large population cohorts (gnomAD); Initiation codon variant in a gene for which loss-of-function is not a known mechanism of disease; Has not been previously published as pathogenic or benign to our knowledge